The following is an entry in ClinVar:

NM_006231.4(POLE):c.2309G>T (p.Gly770Val)

Gene: POLE (DNA polymerase epsilon, catalytic subunit; minus strand). Cytogenetic location: 12q24.33.
Variant type: single nucleotide variant.
Coding change: c.2309G>T on transcript NM_006231.4 (MANE Select); coding-DNA position 2309, G replaced by T.
Protein change: p.Gly770Val; replaces glycine 770 with valine.
Molecular consequence: missense variant.
Genome position (GRCh38, 1-based): chr12:132,667,513, C>A on the plus strand (G>T on the coding strand, the complement: POLE is on the minus strand). VCF-style: chr12-132667513-C-A. GRCh37 (hg19) VCF-style: chr12-133244099-C-A.
Other names: short protein forms G770V.
Identifiers: ClinVar variation 473520 (VCV000473520.8), dbSNP rs1555227087, ClinGen allele CA387352083.
Genomic context (GRCh38, chr12:132,667,513, plus strand): 5'-ACTGAAACTGCCCTCACAGAGGCCAAAGCTTGCAGCCCCTCAGAGCTCACCTTGTGGAGC[C>A]CTTTGAACTCGTAACGCCTGTCCCGGAAGGCACGCACGGTGTCCACGTAGAAGGAGTTTT-3'
Protein context (NP_006222.2, residues 760-780): AFRDRRYEFK[Gly770Val]LHKVWKKKLS

ClinVar aggregate classification (germline): Uncertain significance (1 of 4 stars; one submission).

Submission:

Labcorp Genetics (formerly Invitae), Labcorp
Classification: Uncertain significance. Last evaluated: 2021-03-29. Review status: criteria provided, single submitter. Criteria: Invitae Variant Classification Sherloc (09022015). Collection method: clinical testing. Allele origin: germline.
Comment: This sequence change replaces glycine with valine at codon 770 of the POLE protein (p.Gly770Val). The glycine residue is highly conserved and there is a moderate physicochemical difference between glycine and valine. In summary, this variant is a novel missense change with uncertain impact on protein function. It has been classified as a Variant of Uncertain Significance. Algorithms developed to predict the effect of missense changes on protein structure and function do not agree on the potential impact of this missense change (SIFT: "Deleterious"; PolyPhen-2: "Possibly Damaging"; Align-GVGD: "Class C15"). This variant is not present in population databases (ExAC no frequency) and has not been reported in the literature in individuals with a POLE-related disease.